The following is an entry in ClinVar:

ClinVar aggregate classification (germline): Uncertain significance (1 of 4 stars; one submission).

gnomAD v4.1: 8 of 1,613,530 alleles (0.0005%); highest among the groups gnomAD compares: East Asian, 0.018%; no homozygotes.

Submission:

Labcorp Genetics (formerly Invitae), Labcorp
Classification: Uncertain significance. Last evaluated: 2025-03-06. Review status: criteria provided, single submitter. Criteria: Invitae Variant Classification Sherloc (09022015). Collection method: clinical testing. Allele origin: germline.
Comment: This sequence change replaces arginine, which is basic and polar, with leucine, which is neutral and non-polar, at codon 4 of the ADGRE2 protein (p.Arg4Leu). This variant is present in population databases (rs546686579, gnomAD 0.03%). This variant has not been reported in the literature in individuals affected with ADGRE2-related conditions. An algorithm developed to predict the effect of missense changes on protein structure and function (PolyPhen-2) suggests that this variant is likely to be tolerated. In summary, the available evidence is currently insufficient to determine the role of this variant in disease. Therefore, it has been classified as a Variant of Uncertain Significance.

NM_013447.4(ADGRE2):c.11G>T (p.Arg4Leu)

Gene: ADGRE2 (adhesion G protein-coupled receptor E2; minus strand). Cytogenetic location: 19p13.12.
Variant type: single nucleotide variant.
Coding change: c.11G>T on transcript NM_013447.4 (MANE Select); coding-DNA position 11, G replaced by T.
Protein change: p.Arg4Leu; replaces arginine 4 with leucine.
Molecular consequence: missense variant.
Genome position (GRCh38, 1-based): chr19:14,776,746, C>A on the plus strand (G>T on the coding strand, the complement: ADGRE2 is on the minus strand). VCF-style: chr19-14776746-C-A. GRCh37 (hg19) VCF-style: chr19-14887558-C-A.
Other names: c.11G>T, p.Arg4Leu (NM_001271052.1, NM_152916.2, NM_152917.2); short protein forms R4L.
Identifiers: ClinVar variation 4699560 (VCV004699560.1).
Genomic context (GRCh38, chr19:14,776,746, plus strand): 5'-TTCCTCGCTACCACCCCCAGCGGGGCCCCAAAGTACTTACCGAGAAAGACGAGAAAGACG[C>A]GGCCTCCCATGGTTCCAGCTGAGCTGCCGGCAGGAGCAGCAGGGGAAAGAGTGAGTGGGA-3'
Protein context (NP_038475.2, residues 1-14): MGG[Arg4Leu]VFLVFLAFCV